The following is an entry in ClinVar:

NM_004565.3(PEX14):c.1051C>T (p.Arg351Trp)

Gene: PEX14 (peroxisomal biogenesis factor 14; plus strand). Cytogenetic location: 1p36.22.
Variant type: single nucleotide variant.
Coding change: c.1051C>T on transcript NM_004565.3 (MANE Select); coding-DNA position 1051, C replaced by T.
Protein change: p.Arg351Trp; replaces arginine 351 with tryptophan.
Molecular consequence: missense variant.
Genome position (GRCh38, 1-based): chr1:10,629,904, C>T. VCF-style: chr1-10629904-C-T. GRCh37 (hg19) VCF-style: chr1-10689961-C-T.
Other names: short protein forms R351W.
Identifiers: ClinVar variation 2190849 (VCV002190849.4), dbSNP rs766959628, ClinGen allele CA584024.

ClinVar aggregate classification (germline): Uncertain significance (1 of 4 stars; one submission).

Conditions:
Peroxisome biogenesis disorder, complementation group K (CGK). Identifiers: MedGen C1866257, MONDO:0800365.

Allele frequency attached by ClinVar (database versions not stated): ExAC 0.00003.
gnomAD v4.1: 14 of 1,613,268 alleles (0.00087%); highest among the groups gnomAD compares: South Asian, 0.0055%; no homozygotes.

Submission:

Labcorp Genetics (formerly Invitae), Labcorp
Classification: Uncertain significance for Peroxisome biogenesis disorder, complementation group K. Last evaluated: 2023-11-27. Review status: criteria provided, single submitter. Criteria: Invitae Variant Classification Sherloc (09022015). Collection method: clinical testing. Allele origin: germline.
Comment: This sequence change replaces arginine, which is basic and polar, with tryptophan, which is neutral and slightly polar, at codon 351 of the PEX14 protein (p.Arg351Trp). This variant is present in population databases (rs766959628, gnomAD 0.01%). This variant has not been reported in the literature in individuals affected with PEX14-related conditions. ClinVar contains an entry for this variant (Variation ID: 2190849). Advanced modeling of protein sequence and biophysical properties (such as structural, functional, and spatial information, amino acid conservation, physicochemical variation, residue mobility, and thermodynamic stability) performed at Invitae indicates that this missense variant is expected to disrupt PEX14 protein function with a positive predictive value of 80%. In summary, the available evidence is currently insufficient to determine the role of this variant in disease. Therefore, it has been classified as a Variant of Uncertain Significance.